The following is an entry in ClinVar:

NM_001384910.1(GUCA1A):c.518G>T (p.Ser173Ile)

Genes: GUCA1A (guanylate cyclase activator 1A; plus strand), GUCA1ANB-GUCA1A (GUCA1ANB-GUCA1A readthrough; plus strand). Cytogenetic location: 6p21.1.
Variant type: single nucleotide variant.
Coding change: c.518G>T on transcript NM_001384910.1 (MANE Select); coding-DNA position 518, G replaced by T.
Protein change: p.Ser173Ile; replaces serine 173 with isoleucine.
Molecular consequence: missense variant.
Genome position (GRCh38, 1-based): chr6:42,179,315, G>T. VCF-style: chr6-42179315-G-T. GRCh37 (hg19) VCF-style: chr6-42147053-G-T.
Other names: c.518G>T, p.Ser173Ile (NM_000409.5, NM_001319061.2, NM_001319062.2); short protein forms S173I.
Identifiers: ClinVar variation 3726617 (VCV003726617.2).

ClinVar aggregate classification (germline): Uncertain significance (1 of 4 stars; one submission).

Submission:

Labcorp Genetics (formerly Invitae), Labcorp
Classification: Uncertain significance. Last evaluated: 2024-12-04. Review status: criteria provided, single submitter. Criteria: Invitae Variant Classification Sherloc (09022015). Collection method: clinical testing. Allele origin: germline.
Comment: This sequence change replaces serine, which is neutral and polar, with isoleucine, which is neutral and non-polar, at codon 173 of the GUCA1A protein (p.Ser173Ile). This variant is not present in population databases (gnomAD no frequency). This variant has not been reported in the literature in individuals affected with GUCA1A-related conditions. An algorithm developed to predict the effect of missense changes on protein structure and function (PolyPhen-2) suggests that this variant is likely to be disruptive. In summary, the available evidence is currently insufficient to determine the role of this variant in disease. Therefore, it has been classified as a Variant of Uncertain Significance.